The following is an entry in ClinVar:

NM_001791.4(CDC42):c.371C>T (p.Ser124Phe)

Gene: CDC42 (cell division cycle 42; plus strand). Cytogenetic location: 1p36.12.
Variant type: single nucleotide variant.
Coding change: c.371C>T on transcript NM_001791.4 (MANE Select); coding-DNA position 371, C replaced by T.
Protein change: p.Ser124Phe; replaces serine 124 with phenylalanine.
Molecular consequence: missense variant.
Genome position (GRCh38, 1-based): chr1:22,086,751, C>T. VCF-style: chr1-22086751-C-T. GRCh37 (hg19) VCF-style: chr1-22413244-C-T.
Other names: c.371C>T, p.Ser124Phe (NM_044472.3, NM_001039802.2); short protein forms S124F.
Identifiers: ClinVar variation 2793109 (VCV002793109.3), dbSNP rs1326906815, ClinGen allele CA338907443.
Genomic context (GRCh38, chr1:22,086,751, plus strand): 5'-ACTGTCCAAAGACTCCTTTCTTGCTTGTTGGGACTCAAATTGATCTCAGAGATGACCCCT[C>T]TACTATTGAGAAACTTGCCAAGAACAAACAGAAGCCTATCACTCCAGAGACTGCTGAAAA-3'
Protein context (NP_001782.1, residues 114-134): GTQIDLRDDP[Ser124Phe]TIEKLAKNKQ

ClinVar aggregate classification (germline): Uncertain significance (1 of 4 stars; one submission).

Allele frequency attached by ClinVar (database versions not stated): gnomAD exomes 0.00002.
gnomAD v4.1: 10 of 1,613,978 alleles (0.00062%); highest among the groups gnomAD compares: Non-Finnish European, 0.00076%; no homozygotes.

Submission:

Labcorp Genetics (formerly Invitae), Labcorp
Classification: Uncertain significance. Last evaluated: 2023-09-23. Review status: criteria provided, single submitter. Criteria: Invitae Variant Classification Sherloc (09022015). Collection method: clinical testing. Allele origin: germline.
Comment: In summary, the available evidence is currently insufficient to determine the role of this variant in disease. Therefore, it has been classified as a Variant of Uncertain Significance. An algorithm developed to predict the effect of missense changes on protein structure and function (PolyPhen-2) suggests that this variant is likely to be tolerated. This variant has not been reported in the literature in individuals affected with CDC42-related conditions. This variant is present in population databases (no rsID available, gnomAD 0.002%). This sequence change replaces serine, which is neutral and polar, with phenylalanine, which is neutral and non-polar, at codon 124 of the CDC42 protein (p.Ser124Phe).